The following is an entry in ClinVar:

ClinVar aggregate classification (germline): Uncertain significance (1 of 4 stars; one submission).

Conditions:
Breast-ovarian cancer, familial, susceptibility to, 1 (BROVCA1). Also called: BRCA1 Hereditary Breast and Ovarian Cancer; OVARIAN CANCER, SUSCEPTIBILITY TO. Identifiers: Orphanet 145, MedGen C2676676, MONDO:0011450, OMIM 604370. Disease mechanism: loss of function.

Submission:

KCCC/NGS Laboratory, Kuwait Cancer Control Center
Classification: Uncertain significance for Breast-ovarian cancer, familial, susceptibility to, 1. Last evaluated: 2023-08-07. Review status: criteria provided, single submitter. Criteria: ACMG Guidelines, 2015. Collection method: clinical testing. Allele origin: germline. Inheritance: Autosomal dominant inheritance. Affected: yes. Observed: 1 heterozygote.
Comment: This sequence change replaces arginine with threonine at codon 1468 of the BRCA1 protein (p.Arg1468Thr). This variant is not present in population databases (gnomAD) nor in our local database . This variant has not been reported in the literature in individuals with BRCA1-related conditions.This variant not reported in clinvar database . In-silico predictions show benign computational verdict based on 12 benign predictions from BayesDel_addAF, DANN, DEOGEN2, EIGEN, FATHMM-MKL, LIST-S2, MVP, MutationAssessor MutationTaster, PrimateAI , PolyPhen and M-CAP and the position is not strongly conserved (PhyloP=1.28) . Therefore, it has been classified as a Variant of Uncertain Significance.

NM_007294.4(BRCA1):c.4358-2740G>C

Gene: BRCA1 (BRCA1 DNA repair associated; minus strand). Cytogenetic location: 17q21.31.
Variant type: single nucleotide variant.
Coding change: c.4358-2740G>C on transcript NM_007294.4 (MANE Select); 2740 bases into the intron before coding-DNA position 4358, G replaced by C.
Molecular consequence: intron variant. On other transcripts: missense variant (17).
Genome position (GRCh38, 1-based): chr17:43,079,354, C>G on the plus strand (G>C on the coding strand, the complement: BRCA1 is on the minus strand). VCF-style: chr17-43079354-C-G. GRCh37 (hg19) VCF-style: chr17-41231371-C-G.
Other names: c.926-2743G>C (NM_001408437.1, NM_001408436.1, NM_001408438.1 and 2 more transcripts); c.926-2740G>C (NM_001408429.1, NM_001408430.1, NM_001408426.1 and 3 more transcripts); c.4232-2743G>C (NM_001407683.1, NM_001407688.1, NM_001407682.1 and 3 more transcripts); c.4232-2740G>C (NM_001407674.1, NM_001407940.1, NM_001407671.1 and 5 more transcripts); c.4235-2743G>C (NM_001407939.1, NM_001407677.1, NM_001407863.1 and 3 more transcripts); c.4235-2740G>C (NM_001407919.1, NM_001407937.1, NM_001407669.1 and 6 more transcripts); c.1046-2740G>C (NM_001407979.1, NM_001408472.1, NM_001407990.1 and 9 more transcripts); c.1049-2740G>C (NM_001407977.1, NM_001407974.1, NM_001407976.1 and 3 more transcripts); and 98 more; short protein forms R1397T, R1426T, R1427T, R1467T, R1468T, R254T, R318T, R339T.
Identifiers: ClinVar variation 2574679 (VCV002574679.2), dbSNP rs762068981, ClinGen allele CA10592884.
Genomic context (GRCh38, chr17:43,079,354, plus strand): 5'-TTGCCAAAATGACGAACACAAAGGGAAAGAGGAGAGGCACCTGATATATGTTCTCTAGGC[C>G]TTTTAGAAAACATGGAGTTGTTCCTTTGGCCATGTATATGCGAATCTGTAAGAAAGGTGA-3'